The following is an entry in ClinVar:

ClinVar aggregate classification (germline): Pathogenic. Review status: criteria provided, multiple submitters, no conflicts (2 of 4 stars). 4 submissions from 4 submitters: Pathogenic (4). Last evaluated 2024-11-01.

Conditions:
Intellectual developmental disorder, autosomal dominant 50, with behavioral abnormalities. Also called: MENTAL RETARDATION, AUTOSOMAL DOMINANT 50; Intellectual disability, autosomal dominant 50. Identifiers: MedGen C4540470, MONDO:0030916, OMIM 617787.

Submissions (4):

GeneDx
Classification: Pathogenic. Last evaluated: 2024-11-01. Review status: criteria provided, single submitter. Criteria: GeneDx Variant Classification Process June 2021. Collection method: clinical testing. Allele origin: germline.
Comment: Not observed at significant frequency in large population cohorts (gnomAD); Nonsense variant predicted to result in protein truncation or nonsense mediated decay in a gene for which loss of function is a known mechanism of disease; This variant is associated with the following publications: (PMID: 35982160)

Labcorp Genetics (formerly Invitae), Labcorp
Classification: Pathogenic. Last evaluated: 2024-01-04. Review status: criteria provided, single submitter. Criteria: Invitae Variant Classification Sherloc (09022015). Collection method: clinical testing. Allele origin: germline.
Comment: This sequence change creates a premature translational stop signal (p.Gln389*) in the NAA15 gene. It is expected to result in an absent or disrupted protein product. Loss-of-function variants in NAA15 are known to be pathogenic (PMID: 28191889, 29656860). This variant is not present in population databases (gnomAD no frequency). This premature translational stop signal has been observed in individual(s) with autism spectrum disorder (PMID: 35982160). ClinVar contains an entry for this variant (Variation ID: 1802607). For these reasons, this variant has been classified as Pathogenic.

Laboratory of Medical Genetics, University of Torino
Classification: Pathogenic for Intellectual developmental disorder, autosomal dominant 50, with behavioral abnormalities. Last evaluated: 2022-11-29. Review status: criteria provided, single submitter. Criteria: ACMG Guidelines, 2015. Collection method: research. Allele origin: germline. Affected: yes. Study: NeuroWES.

Juno Genomics, Hangzhou Juno Genomics, Inc
Classification: Pathogenic for Intellectual developmental disorder, autosomal dominant 50, with behavioral abnormalities. Review status: criteria provided, single submitter. Criteria: ACMG Guidelines, 2015. Collection method: clinical testing. Allele origin: germline. Affected: yes.
Comment: Absent from controls (or at extremely low frequency if recessive) in Genome Aggregation Database.;Null variant in a gene where loss of function (LOF) is a known mechanism of disease.;De novo (both maternity and paternity confirmed) in a patient with the disease and no family history.

Literature cited by the submitters: PubMed 28191889 (cited by Labcorp Genetics (formerly Invitae), Labcorp); PubMed 29656860 (cited by Labcorp Genetics (formerly Invitae), Labcorp); PubMed 35982160 (cited by Labcorp Genetics (formerly Invitae), Labcorp).

NM_057175.5(NAA15):c.1165C>T (p.Gln389Ter)

Gene: NAA15 (N-alpha-acetyltransferase 15, NatA auxiliary subunit; plus strand). Cytogenetic location: 4q31.1.
Variant type: single nucleotide variant.
Coding change: c.1165C>T on transcript NM_057175.5 (MANE Select); coding-DNA position 1165, C replaced by T.
Protein change: p.Gln389Ter; replaces glutamine 389 with a stop codon.
Molecular consequence: nonsense.
Genome position (GRCh38, 1-based): chr4:139,357,463, C>T. VCF-style: chr4-139357463-C-T. GRCh37 (hg19) VCF-style: chr4-140278617-C-T.
Other names: c.1165C>T (NM_057175.3); c.1165C>T, p.Gln389Ter (NM_001410842.1, NM_025085.2); short protein forms Q389*.
Identifiers: ClinVar variation 1802607 (VCV001802607.7), dbSNP rs2110949021, ClinGen allele CA358265963.
Genomic context (GRCh38, chr4:139,357,463, plus strand): 5'-CCACCAACCACATTACTTTGGGTCCAGTACTACTTGGCACAACATTATGACAAAATTGGT[C>T]AGCCATCTATTGCTTTGGAGTACATAAATACTGCTATTGAAAGTACACCTACATTAATAG-3'